The following is an entry in ClinVar:

ClinVar aggregate classification (germline): Uncertain significance. Review status: criteria provided, multiple submitters, no conflicts (2 of 4 stars). 2 submissions from 2 submitters: Uncertain significance (2). Last evaluated 2025-06-28.

Conditions:
Maturity-onset diabetes of the young type 4 (MODY4). Also called: Maturity-onset diabetes of the young, type IV; MODY, type IV. Identifiers: Orphanet 552, MedGen C1833382, MONDO:0011667, OMIM 606392.
Pancreatic agenesis 1 (PAGEN1). Also called: PANCREATIC HYPOPLASIA, CONGENITAL. Identifiers: Orphanet 2805, MedGen C3891828, MONDO:0024547, OMIM 260370.
Type 2 diabetes mellitus. Also called: Type II diabetes mellitus. Identifiers: MedGen C0011860, MeSH D003924, MONDO:0005148, OMIM 125853, HP:0005978.
PDX1-related disorder. Also called: PDX1-related disorders; PDX1-related condition.

gnomAD v4.1: 50 of 1,589,232 alleles (0.0031%); highest among the groups gnomAD compares: South Asian, 0.034%; no homozygotes.

Submissions (2):

PreventionGenetics, part of Exact Sciences
Classification: Uncertain significance for PDX1-related condition. Last evaluated: 2025-06-28. Review status: criteria provided, single submitter. Criteria: ACMG Guidelines, 2015. Collection method: clinical testing. Allele origin: germline.
Comment: The PDX1 c.307G>A variant is predicted to result in the amino acid substitution p.Gly103Arg. To our knowledge, this variant has not been reported in the literature. This variant is reported in 0.030% of alleles in individuals of South Asian descent in gnomAD. At this time, the clinical significance of this variant is uncertain due to the absence of conclusive functional and genetic evidence.

Fulgent Genetics
Classification: Uncertain significance for Type 2 diabetes mellitus; Pancreatic agenesis 1; Maturity-onset diabetes of the young type 4. Last evaluated: 2024-01-09. Review status: criteria provided, single submitter. Criteria: ACMG Guidelines, 2015. Collection method: clinical testing. Allele origin: germline.

NM_000209.4(PDX1):c.307G>A (p.Gly103Arg)

Gene: PDX1 (pancreatic and duodenal homeobox 1; plus strand). Cytogenetic location: 13q12.2.
Variant type: single nucleotide variant.
Coding change: c.307G>A on transcript NM_000209.4 (MANE Select); coding-DNA position 307, G replaced by A.
Protein change: p.Gly103Arg; replaces glycine 103 with arginine.
Molecular consequence: missense variant.
Genome position (GRCh38, 1-based): chr13:27,920,445, G>A. VCF-style: chr13-27920445-G-A. GRCh37 (hg19) VCF-style: chr13-28494582-G-A.
Other names: c.307G>A (NM_000209.3); short protein forms G103R.
Identifiers: ClinVar variation 3575840 (VCV003575840.2).